The following is an entry in ClinVar:

ClinVar aggregate classification (germline): Uncertain significance. Review status: criteria provided, multiple submitters, no conflicts (2 of 4 stars). 2 submissions from 2 submitters: Uncertain significance (2). Last evaluated 2024-04-02.

Allele frequency attached by ClinVar (database versions not stated): gnomAD 0.00002; gnomAD exomes 0.00002; ExAC 0.00003; TOPMed 0.00004.
gnomAD v4.1: 31 of 1,605,858 alleles (0.0019%); highest among the groups gnomAD compares: South Asian, 0.0033%; no homozygotes.

Submissions (2):

Mayo Clinic Laboratories, Mayo Clinic
Classification: Uncertain significance. Last evaluated: 2024-04-02. Review status: criteria provided, single submitter. Criteria: ACMG Guidelines, 2015. Collection method: clinical testing. Allele origin: germline. Observed: 1 variant allele.
Comment: BP4

Ambry Genetics
Classification: Uncertain significance. Last evaluated: 2021-08-23. Review status: criteria provided, single submitter. Criteria: Ambry Variant Classification Scheme 2023. Collection method: clinical testing. Allele origin: germline.

NM_002226.5(JAG2):c.3389C>T (p.Pro1130Leu)

Gene: JAG2 (jagged canonical Notch ligand 2; minus strand). Cytogenetic location: 14q32.33.
Variant type: single nucleotide variant.
Coding change: c.3389C>T on transcript NM_002226.5 (MANE Select); coding-DNA position 3389, C replaced by T.
Protein change: p.Pro1130Leu; replaces proline 1130 with leucine.
Molecular consequence: missense variant.
Genome position (GRCh38, 1-based): chr14:105,143,023, G>A on the plus strand (C>T on the coding strand, the complement: JAG2 is on the minus strand). VCF-style: chr14-105143023-G-A. GRCh37 (hg19) VCF-style: chr14-105609360-G-A.
Other names: p.Pro1130Leu; c.3275C>T, p.Pro1092Leu (NM_145159.3); short protein forms P1130L, P1092L.
Identifiers: ClinVar variation 2303289 (VCV002303289.3), dbSNP rs752712856, ClinGen allele CA7385218.